The following is an entry in ClinVar:

ClinVar aggregate classification (germline): Uncertain significance. Review status: criteria provided, multiple submitters, no conflicts (2 of 4 stars). 3 submissions from 3 submitters: Uncertain significance (3). Last evaluated 2025-03-27.

Conditions:
Periodic fever-infantile enterocolitis-autoinflammatory syndrome. Also called: Autoinflammation with infantile enterocolitis. Identifiers: Orphanet 436166, MedGen C4015067, MONDO:0014472, OMIM 616050.
Familial cold autoinflammatory syndrome 4 (FCAS4). Identifiers: Orphanet 47045, Orphanet 576349, MedGen C4015276, MONDO:0014498, OMIM 616115.
Inborn genetic diseases. Identifiers: MedGen C0950123, MeSH D030342.

Allele frequency attached by ClinVar (database versions not stated): gnomAD 0.00003 and 0.00004; gnomAD exomes 0.00003 and 0.00010; ExAC 0.00004; TOPMed 0.00005; ESP Exome Variant Server 0.00023.
gnomAD v4.1: 144 of 1,613,820 alleles (0.0089%); highest among the groups gnomAD compares: Non-Finnish European, 0.012%; no homozygotes.

Submissions (3):

Labcorp Genetics (formerly Invitae), Labcorp
Classification: Uncertain significance for Periodic fever-infantile enterocolitis-autoinflammatory syndrome; Familial cold autoinflammatory syndrome 4. Last evaluated: 2025-03-27. Review status: criteria provided, single submitter. Criteria: Invitae Variant Classification Sherloc (09022015). Collection method: clinical testing. Allele origin: germline.
Comment: This sequence change replaces lysine, which is basic and polar, with asparagine, which is neutral and polar, at codon 975 of the NLRC4 protein (p.Lys975Asn). This variant is present in population databases (rs373084451, gnomAD 0.006%). This variant has not been reported in the literature in individuals affected with NLRC4-related conditions. ClinVar contains an entry for this variant (Variation ID: 656380). Invitae Evidence Modeling of protein sequence and biophysical properties (such as structural, functional, and spatial information, amino acid conservation, physicochemical variation, residue mobility, and thermodynamic stability) indicates that this missense variant is not expected to disrupt NLRC4 protein function with a negative predictive value of 80%. In summary, the available evidence is currently insufficient to determine the role of this variant in disease. Therefore, it has been classified as a Variant of Uncertain Significance.

Ambry Genetics
Classification: Uncertain significance for Inborn genetic diseases. Last evaluated: 2022-07-13. Review status: criteria provided, single submitter. Criteria: Ambry Variant Classification Scheme 2023. Collection method: clinical testing. Allele origin: germline.

CeGaT Center for Human Genetics Tuebingen
Classification: Uncertain significance. Last evaluated: 2020-03-01. Review status: criteria provided, single submitter. Criteria: CeGaT Center For Human Genetics Tuebingen Variant Classification Criteria Version 2. Collection method: clinical testing. Allele origin: germline. Affected: yes. Observed: 1 variant allele.

NM_001199138.2(NLRC4):c.2925A>C (p.Lys975Asn)

Gene: NLRC4 (NLR family CARD domain containing 4; minus strand). Cytogenetic location: 2p22.3.
Variant type: single nucleotide variant.
Coding change: c.2925A>C on transcript NM_001199138.2 (MANE Select); coding-DNA position 2925, A replaced by C.
Protein change: p.Lys975Asn; replaces lysine 975 with asparagine.
Molecular consequence: missense variant.
Genome position (GRCh38, 1-based): chr2:32,224,623, T>G on the plus strand (A>C on the coding strand, the complement: NLRC4 is on the minus strand). VCF-style: chr2-32224623-T-G. GRCh37 (hg19) VCF-style: chr2-32449692-T-G.
Other names: c.2925A>C, p.Lys975Asn (NM_001199139.2, NM_021209.5); c.930A>C, p.Lys310Asn (NM_001302504.2); short protein forms K310N, K975N.
Identifiers: ClinVar variation 656380 (VCV000656380.48), dbSNP rs373084451, ClinGen allele CA1601645.